The following is an entry in ClinVar:

ClinVar aggregate classification (germline): Uncertain significance (1 of 4 stars; one submission).

Conditions:
Neurodevelopmental disorder with or without hyperkinetic movements and seizures, autosomal dominant. Also called: Intellectual disability, autosomal dominant 8. Identifiers: MedGen C3280282, MONDO:0013655, OMIM 614254.

Submission:

Baylor Genetics
Classification: Uncertain significance for Neurodevelopmental disorder with or without hyperkinetic movements and seizures, autosomal dominant. Last evaluated: 2018-06-13. Review status: criteria provided, single submitter. Criteria: ACMG Guidelines, 2015. Collection method: clinical testing. Allele origin: paternal. Affected: yes.
Comment: This variant was determined to be of uncertain significance according to ACMG Guidelines, 2015 [PMID:25741868].

NM_007327.4(GRIN1):c.1376G>A (p.Cys459Tyr)

Gene: GRIN1 (glutamate ionotropic receptor NMDA type subunit 1; plus strand). Cytogenetic location: 9q34.3.
Variant type: single nucleotide variant.
Coding change: c.1376G>A on transcript NM_007327.4 (MANE Select); coding-DNA position 1376, G replaced by A.
Protein change: p.Cys459Tyr; replaces cysteine 459 with tyrosine.
Molecular consequence: missense variant.
Genome position (GRCh38, 1-based): chr9:137,161,325, G>A. VCF-style: chr9-137161325-G-A. GRCh37 (hg19) VCF-style: chr9-140055777-G-A.
Other names: c.1376G>A, p.Cys459Tyr (NM_021569.4, NM_000832.7); c.1439G>A, p.Cys480Tyr (NM_001185090.2, NM_001185091.2); short protein forms C459Y, C480Y.
Identifiers: ClinVar variation 1034379 (VCV001034379.1), dbSNP rs1833529788, ClinGen allele CA375716522.